The following is an entry in ClinVar:

NM_005236.3(ERCC4):c.1554A>G (p.Ile518Met)

Gene: ERCC4 (ERCC excision repair 4, endonuclease catalytic subunit; plus strand). Cytogenetic location: 16p13.12.
Variant type: single nucleotide variant.
Coding change: c.1554A>G on transcript NM_005236.3 (MANE Select); coding-DNA position 1554, A replaced by G.
Protein change: p.Ile518Met; replaces isoleucine 518 with methionine.
Molecular consequence: missense variant.
Genome position (GRCh38, 1-based): chr16:13,935,486, A>G. VCF-style: chr16-13935486-A-G. GRCh37 (hg19) VCF-style: chr16-14029343-A-G.
Other names: short protein forms I518M.
Identifiers: ClinVar variation 1806583 (VCV001806583.1), dbSNP rs768020598, ClinGen allele CA394811537.
Genomic context (GRCh38, chr16:13,935,486, plus strand): 5'-AGGAAAACCTGAAGAACTGGAAGAGGAAGGAGATGTCGAGGAAGGATATCGTCGAGAAAT[A>G]AGCAGTAGCCCAGAAAGCTGCCCGGAAGAAATTAAGCATGAAGAATTTGATGTAAATTTG-3'
Protein context (NP_005227.1, residues 508-528): GDVEEGYRRE[Ile518Met]SSSPESCPEE

ClinVar aggregate classification (germline): Uncertain significance (1 of 4 stars; one submission).

gnomAD v4.1: 1 of 1,614,216 alleles (0.000062%); highest among the groups gnomAD compares: Non-Finnish European, 0.000085%; no homozygotes.

Submission:

GeneDx
Classification: Uncertain significance. Last evaluated: 2022-06-21. Review status: criteria provided, single submitter. Criteria: GeneDx Variant Classification Process June 2021. Collection method: clinical testing. Allele origin: germline. Affected: yes.
Comment: Not observed at significant frequency in large population cohorts (gnomAD); In silico analysis supports that this missense variant does not alter protein structure/function; Has not been previously published as pathogenic or benign to our knowledge